The following is an entry in ClinVar:

NM_001306084.2(CFAP54):c.3647G>A (p.Arg1216His)

Gene: CFAP54 (cilia and flagella associated protein 54; plus strand). Cytogenetic location: 12q23.1.
Variant type: single nucleotide variant.
Coding change: c.3647G>A on transcript NM_001306084.2 (MANE Select); coding-DNA position 3647, G replaced by A.
Protein change: p.Arg1216His; replaces arginine 1216 with histidine.
Molecular consequence: missense variant.
Genome position (GRCh38, 1-based): chr12:96,621,597, G>A. VCF-style: chr12-96621597-G-A. GRCh37 (hg19) VCF-style: chr12-97015375-G-A.
Other names: c.3647G>A, p.Arg1216His (NM_001367885.1); short protein forms R1216H.
Identifiers: ClinVar variation 4083534 (VCV004083534.8).
Genomic context (GRCh38, chr12:96,621,597, plus strand): 5'-TGAAAATAGACAAGAATGTCCAACAGAGATAATTAATAAATATTTTAAATTAGATTCTTC[G>A]TTCATGGAGGGAATATGACCTGGCAGTAATGATTATAAATTATGGGAAAAAAATGTTGGA-3'
Protein context (NP_001293013.1, residues 1206-1226): CCIFYITKIL[Arg1216His]SWREYDLAVM

ClinVar aggregate classification (germline): Likely benign (1 of 4 stars; one submission).

gnomAD v4.1: 3,240 of 1,465,708 alleles (0.22%); highest among the groups gnomAD compares: Non-Finnish European, 0.26%; 9 homozygotes.

Submission:

CeGaT Center for Human Genetics Tuebingen
Classification: Likely benign. Last evaluated: 2026-04-01. Review status: criteria provided, single submitter. Criteria: CeGaT Center For Human Genetics Tuebingen Variant Classification Criteria Version 2. Collection method: clinical testing. Allele origin: germline. Affected: yes. Observed: 2 variant alleles.
Comment: CFAP54: BP4, BS2